The following is an entry in ClinVar:

ClinVar aggregate classification (germline): Uncertain significance (1 of 4 stars; one submission).

Conditions:
Cardiovascular phenotype. Identifiers: MedGen CN230736.

Submission:

Ambry Genetics
Classification: Uncertain significance for Cardiovascular phenotype. Last evaluated: 2023-11-22. Review status: criteria provided, single submitter. Criteria: Ambry Variant Classification Scheme 2023. Collection method: clinical testing. Allele origin: germline.
Comment: The p.R32T variant (also known as c.95G>C), located in coding exon 1 of the MYPN gene, results from a G to C substitution at nucleotide position 95. The arginine at codon 32 is replaced by threonine, an amino acid with similar properties. This amino acid position is well conserved in available vertebrate species. In addition, the in silico prediction for this alteration is inconclusive. Since supporting evidence is limited at this time, the clinical significance of this alteration remains unclear.

NM_032578.4(MYPN):c.95G>C (p.Arg32Thr)

Gene: MYPN (myopalladin; plus strand). Cytogenetic location: 10q21.3.
Variant type: single nucleotide variant.
Coding change: c.95G>C on transcript NM_032578.4 (MANE Select); coding-DNA position 95, G replaced by C.
Protein change: p.Arg32Thr; replaces arginine 32 with threonine.
Molecular consequence: missense variant. On other transcripts: 5 prime UTR variant (1), non-coding transcript variant (1).
Genome position (GRCh38, 1-based): chr10:68,121,533, G>C. VCF-style: chr10-68121533-G-C. GRCh37 (hg19) VCF-style: chr10-69881290-G-C.
Other names: c.95G>C, p.Arg32Thr (NM_001256267.2); c.-1028G>C (NM_001256268.2); short protein forms R32T.
Identifiers: ClinVar variation 3228183 (VCV003228183.1), dbSNP rs2495460087, ClinGen allele CA377103601.